The following is an entry in ClinVar:

ClinVar aggregate classification (germline): Benign. Review status: criteria provided, multiple submitters, no conflicts (2 of 4 stars). 11 submissions from 11 submitters: Benign (8). 3 of the submissions do not count toward it. Last evaluated 2026-02-03.

Conditions:
Collagen 6-related myopathy. Identifiers: MedGen CN117976, MONDO:0100225.
Bethlem myopathy 1A. Also called: Bethlem myopathy 1; Bethlem Muscular Dystrophy; MYOPATHY, BENIGN CONGENITAL, WITH CONTRACTURES. Identifiers: Orphanet 610, MedGen CN029274, MONDO:0024530, OMIM 158810.

Allele frequency attached by ClinVar (database versions not stated): ExAC 0.00995; 1000 Genomes Project 30x 0.03998; gnomAD exomes 0.00325 and 0.00835; gnomAD 0.03177 and 0.03433; ESP Exome Variant Server 0.03675; TOPMed 0.03646; 1000 Genomes Project 0.03674.

Submissions (11):

Labcorp Genetics (formerly Invitae), Labcorp
Classification: Benign for Bethlem myopathy 1A. Last evaluated: 2026-02-03. Review status: criteria provided, single submitter. Criteria: Invitae Variant Classification Sherloc (09022015). Collection method: clinical testing. Allele origin: germline.

Mayo Clinic Laboratories, Mayo Clinic
Classification: Benign. Last evaluated: 2019-06-24. Review status: criteria provided, single submitter. Criteria: ACMG Guidelines, 2015. Collection method: clinical testing. Allele origin: germline. Observed: 10 variant alleles.

Illumina Laboratory Services, Illumina
Classification: Benign for Collagen VI-related myopathy. Last evaluated: 2018-01-13. Review status: criteria provided, single submitter. Criteria: ICSL Variant Classification Criteria 13 December 2019. Collection method: clinical testing. Allele origin: germline.
Comment: This variant was observed in the ICSL laboratory as part of a predisposition screen in an ostensibly healthy population. It had not been previously curated by ICSL or reported in the Human Gene Mutation Database (HGMD: prior to June 1st, 2018), and was therefore a candidate for classification through an automated scoring system. Utilizing variant allele frequency, disease prevalence and penetrance estimates, and inheritance mode, an automated score was calculated to assess if this variant is too frequent to cause the disease. Based on the score and internal cut-off values, a variant classified as benign is not then subjected to further curation. The score for this variant resulted in a classification of benign for this disease.

Athena Diagnostics
Classification: Benign. Last evaluated: 2017-12-20. Review status: criteria provided, single submitter. Criteria: Athena Diagnostics Criteria. Collection method: clinical testing. Allele origin: germline.

GeneDx
Classification: Benign. Last evaluated: 2016-05-04. Review status: criteria provided, single submitter. Criteria: GeneDx Variant Classification (06012015). Collection method: clinical testing. Allele origin: germline. Affected: yes.
Comment: This variant is considered likely benign or benign based on one or more of the following criteria: it is a conservative change, it occurs at a poorly conserved position in the protein, it is predicted to be benign by multiple in silico algorithms, and/or has population frequency not consistent with disease.

Eurofins Ntd Llc (ga)
Classification: Benign. Last evaluated: 2012-07-17. Review status: criteria provided, single submitter. Criteria: EGL Classification Definitions 2015. Collection method: clinical testing. Allele origin: germline. Observed: 4 variant alleles, 4 heterozygotes.

Breakthrough Genomics
Classification: Benign. Review status: criteria provided, single submitter. Criteria: ACMG Guidelines, 2015. Collection method: not provided. Allele origin: germline. Inheritance: Autosomal recessive inheritance. Affected: yes.

PreventionGenetics, part of Exact Sciences
Classification: Benign. Review status: criteria provided, single submitter. Criteria: ACMG Guidelines, 2015. Collection method: clinical testing. Allele origin: germline.

Genetic Services Laboratory, University of Chicago
Classification: Likely benign for AllHighlyPenetrant. Review status: no assertion criteria provided. Collection method: clinical testing. Allele origin: germline. Not counted in ClinVar's aggregate classification.
Comment: Likely benign based on allele frequency in 1000 Genomes Project or ESP global frequency and its presence in a patient with a rare or unrelated disease phenotype. NOT Sanger confirmed.

Joint Genome Diagnostic Labs from Nijmegen and Maastricht, Radboudumc and MUMC+
Classification: Benign. Review status: no assertion criteria provided. Collection method: clinical testing. Allele origin: germline. Affected: yes. Study: VKGL Data-share Consensus. Not counted in ClinVar's aggregate classification.

Laboratory of Diagnostic Genome Analysis, Leiden University Medical Center (LUMC)
Classification: Likely benign. Review status: no assertion criteria provided. Collection method: clinical testing. Allele origin: germline. Affected: yes. Study: VKGL Data-share Consensus. Not counted in ClinVar's aggregate classification.

NM_001849.4(COL6A2):c.2163G>A (p.Gln721=)

Gene: COL6A2 (collagen type VI alpha 2 chain; plus strand). Cytogenetic location: 21q22.3.
Variant type: single nucleotide variant.
Coding change: c.2163G>A on transcript NM_001849.4 (MANE Select); coding-DNA position 2163, G replaced by A.
Protein change: p.Gln721=; no amino-acid change (glutamine 721 retained).
Molecular consequence: synonymous variant.
Genome position (GRCh38, 1-based): chr21:46,125,978, G>A. VCF-style: chr21-46125978-G-A. GRCh37 (hg19) VCF-style: chr21-47545892-G-A.
Other names: p.Gln721=; c.2163G>A, p.Gln721= (NM_058174.3, NM_058175.3).
Identifiers: ClinVar variation 93935 (VCV000093935.30), dbSNP rs16978875, ClinGen allele CA147468.